The following is an entry in ClinVar:

ClinVar aggregate classification (germline): Likely benign. Review status: reviewed by expert panel (3 of 4 stars). 2 submissions from 2 submitters: Likely benign (1). 1 of the submissions does not count toward it. Last evaluated 2017-06-29.

Conditions:
Hereditary cancer-predisposing syndrome. Also called: Neoplastic Syndromes, Hereditary; Hereditary neoplastic syndrome; Tumor predisposition; Hereditary Cancer Syndrome. Identifiers: Orphanet 140162, MedGen C0027672, MeSH D009386, MONDO:0015356.
Breast-ovarian cancer, familial, susceptibility to, 1 (BROVCA1). Also called: BRCA1 Hereditary Breast and Ovarian Cancer; OVARIAN CANCER, SUSCEPTIBILITY TO. Identifiers: Orphanet 145, MedGen C2676676, MONDO:0011450, OMIM 604370. Disease mechanism: loss of function.

Allele frequency attached by ClinVar (database versions not stated): gnomAD exomes below 0.00001; TOPMed below 0.00001; ExAC 0.00001; gnomAD 0.00001.
gnomAD v4.1: 2 of 1,613,934 alleles (0.00012%); highest among the groups gnomAD compares: African/African-American, 0.0013%; no homozygotes.

Submissions (2):

Evidence-based Network for the Interpretation of Germline Mutant Alleles (ENIGMA)
Classification: Likely benign for Breast-ovarian cancer, familial, susceptibility to, 1. Last evaluated: 2017-06-29. Review status: reviewed by expert panel. Criteria: ENIGMA BRCA1/2 Classification Criteria (2017-06-29). Collection method: curation. Allele origin: germline.
Comment: Synonymous substitution variant, with low bioinformatic likelihood to result in a splicing aberration (Splicing prior probability 0.02).

Ambry Genetics
Classification: Likely benign for Hereditary cancer-predisposing syndrome. Last evaluated: 2023-02-17. Review status: criteria provided, single submitter. Criteria: Ambry Variant Classification Scheme 2023. Collection method: clinical testing. Allele origin: germline. Not counted in ClinVar's aggregate classification.

NM_007294.4(BRCA1):c.5340G>A (p.Leu1780=)

Gene: BRCA1 (BRCA1 DNA repair associated; minus strand). Cytogenetic location: 17q21.31.
Variant type: single nucleotide variant.
Coding change: c.5340G>A on transcript NM_007294.4 (MANE Select); coding-DNA position 5340, G replaced by A.
Protein change: p.Leu1780=; no amino-acid change (leucine 1780 retained).
Molecular consequence: synonymous variant. On other transcripts: intron variant (19).
Genome position (GRCh38, 1-based): chr17:43,049,187, C>T on the plus strand (G>A on the coding strand, the complement: BRCA1 is on the minus strand). VCF-style: chr17-43049187-C-T. GRCh37 (hg19) VCF-style: chr17-41201204-C-T.
Other names: c.2028G>A, p.Leu676= (NM_001407979.1, NM_001407980.1, NM_001407981.1 and 11 more transcripts); c.2025G>A, p.Leu675= (NM_001408392.1, NM_001408396.1, NM_001408397.1 and 7 more transcripts); c.2022G>A, p.Leu674= (NM_001408406.1, NM_001408407.1, NM_001408408.1); c.2019G>A, p.Leu673= (NM_001408409.1); c.1956G>A, p.Leu652= (NM_001408410.1); c.1953G>A, p.Leu651= (NM_001408411.1); c.1950G>A, p.Leu650= (NM_001408412.1, NM_001408413.1, NM_001408414.1 and 2 more transcripts); c.1914G>A, p.Leu638= (NM_001408418.1, NM_001408419.1, NM_001408420.1); and 84 more.
Identifiers: ClinVar variation 427323 (VCV000427323.6), dbSNP rs766700840, ClinGen allele CA054637.